The following is an entry in ClinVar:

ClinVar aggregate classification (germline): Uncertain significance. Review status: criteria provided, multiple submitters, no conflicts (2 of 4 stars). 2 submissions from 2 submitters: Uncertain significance (2). Last evaluated 2025-08-13.

Conditions:
Dyskeratosis congenita. Identifiers: Orphanet 1775, MedGen C0265965, MONDO:0015780.
Inborn genetic diseases. Identifiers: MedGen C0950123, MeSH D030342.

Allele frequency attached by ClinVar (database versions not stated): gnomAD 0.00002 and 0.00003; gnomAD exomes 0.00002; ExAC 0.00003; TOPMed 0.00004; ESP Exome Variant Server 0.00008.
gnomAD v4.1: 31 of 1,613,418 alleles (0.0019%); highest among the groups gnomAD compares: Non-Finnish European, 0.0025%; no homozygotes.

Submissions (2):

Ambry Genetics
Classification: Uncertain significance for Inborn genetic diseases. Last evaluated: 2025-08-13. Review status: criteria provided, single submitter. Criteria: Ambry Variant Classification Scheme 2023. Collection method: clinical testing. Allele origin: germline.

Labcorp Genetics (formerly Invitae), Labcorp
Classification: Uncertain significance for Dyskeratosis congenita. Last evaluated: 2024-01-17. Review status: criteria provided, single submitter. Criteria: Invitae Variant Classification Sherloc (09022015). Collection method: clinical testing. Allele origin: germline.
Comment: This sequence change replaces proline, which is neutral and non-polar, with serine, which is neutral and polar, at codon 509 of the CTC1 protein (p.Pro509Ser). This variant is present in population databases (rs369917627, gnomAD 0.004%). This variant has not been reported in the literature in individuals affected with CTC1-related conditions. ClinVar contains an entry for this variant (Variation ID: 841592). Advanced modeling of protein sequence and biophysical properties (such as structural, functional, and spatial information, amino acid conservation, physicochemical variation, residue mobility, and thermodynamic stability) performed at Invitae indicates that this missense variant is not expected to disrupt CTC1 protein function with a negative predictive value of 80%. In summary, the available evidence is currently insufficient to determine the role of this variant in disease. Therefore, it has been classified as a Variant of Uncertain Significance.

NM_025099.6(CTC1):c.1525C>T (p.Pro509Ser)

Gene: CTC1 (CST telomere replication complex component 1; minus strand). Cytogenetic location: 17p13.1.
Variant type: single nucleotide variant.
Coding change: c.1525C>T on transcript NM_025099.6 (MANE Select); coding-DNA position 1525, C replaced by T.
Protein change: p.Pro509Ser; replaces proline 509 with serine.
Molecular consequence: missense variant. On other transcripts: non-coding transcript variant (1).
Genome position (GRCh38, 1-based): chr17:8,234,841, G>A on the plus strand (C>T on the coding strand, the complement: CTC1 is on the minus strand). VCF-style: chr17-8234841-G-A. GRCh37 (hg19) VCF-style: chr17-8138159-G-A.
Other names: short protein forms P509S.
Identifiers: ClinVar variation 841592 (VCV000841592.10), dbSNP rs369917627, ClinGen allele CA8372325.
Genomic context (GRCh38, chr17:8,234,841, plus strand): 5'-GGATCTCATTGTGTGCATTCCGAACAGGGCTGCCTGGCGGAGCTAGAAGATCCAGGGTAG[G>A]AGCCAGGAGTTGCAGTCCCAGGCTGGGGCTCCCAGGAGAGGAATGTTGCAGGAACTGGTG-3'
Protein context (NP_079375.3, residues 499-519): SPSLGLQLLA[Pro509Ser]TLDLLAPPGS